The following is an entry in ClinVar:

ClinVar aggregate classification (germline): Pathogenic (1 of 4 stars; one submission).

Submission:

GeneDx
Classification: Pathogenic. Last evaluated: 2018-09-07. Review status: criteria provided, single submitter. Criteria: GeneDx Variant Classification (06012015). Collection method: clinical testing. Allele origin: germline. Affected: yes.
Comment: The c.7010_7014dupTGGAG variant in the CHD8 gene has not been reported previously as a pathogenic variant nor as a benign variant, to our knowledge. The c.7010_7014dupTGGAG variant causes a frameshift starting with codon Methionine 2339, changes this amino acid to a Tryptophan residue, and creates a premature Stop codon at position 18 of the new reading frame, denoted p.Met2339TrpfsX18. This variant is predicted to cause loss of normal protein function either through protein truncation or nonsense-mediated mRNA decay. The c.7010_7014dupTGGAG variant is not observed in large population cohorts (Lek et al., 2016). We interpret c.7010_7014dupTGGAG as a pathogenic variant.

NM_001170629.2(CHD8):c.7010_7014dup (p.Met2339fs)

Genes: CHD8 (chromodomain helicase DNA binding protein 8; minus strand), LOC126861888 (CDK7 strongly-dependent group 2 enhancer GRCh37_chr14:21859227-21860426; plus strand). Cytogenetic location: 14q11.2.
Variant type: Duplication.
Coding change: c.7010_7014dup on transcript NM_001170629.2 (MANE Select); coding-DNA positions 7010 to 7014, 5 bases duplicated (TGGAG; older notation c.7010_7014dupTGGAG).
Protein change: p.Met2339fs; shifts the reading frame from methionine 2339.
Molecular consequence: frameshift variant.
Genome position (GRCh38, 1-based): chr14:21,391,514-21,391,518, CTCCA duplicated on the plus strand (TGGAG on the coding strand, the reverse complement: CHD8 is on the minus strand). VCF-style (leftmost placement, unchanged base first): chr14-21391513-T-TCTCCA. GRCh37 (hg19) VCF-style: chr14-21859672-T-TCTCCA.
Other names: c.6173_6177dup, p.Met2060fs (NM_020920.4); short protein forms M2060fs, M2339fs.
Identifiers: ClinVar variation 817233 (VCV000817233.1), dbSNP rs1594327007, ClinGen allele CA915948814.
Genomic context (GRCh38, chr14:21,391,513, plus strand): 5'-TGCCACTCACCGCTAGAAATCGGGGATCAACAGCAAACTCTGGATGACCCTGTAACCACA[T>TCTCCA]CTCCAGTTCAGCCCGGCGAGGGGCATCCTCACCCACCAGCAAAGTACCATCCACCTTATT-3'